The following is an entry in ClinVar:

ClinVar aggregate classification (germline): Likely pathogenic (1 of 4 stars; one submission).

Conditions:
Epiphyseal dysplasia, multiple, 2 (EDM2). Also called: COL9A2-Related Multiple Epiphyseal Dysplasia. Identifiers: MedGen C1838429, MONDO:0010844, OMIM 600204.

Submission:

3billion
Classification: Likely pathogenic for Epiphyseal dysplasia, multiple, 2. Last evaluated: 2021-10-02. Review status: criteria provided, single submitter. Criteria: ACMG Guidelines, 2015. Collection method: clinical testing. Allele origin: unknown. Affected: yes. Observed: 1 heterozygote.
Comment: Canonical splice site: predicted to alter splicing and result in a loss or disruption of normal protein function through nonsense-mediated decay (NMD) or protein truncation. Multiple pathogenic variants are reported downstream of the variant (PVS1_VS). It is not observed in the gnomAD v2.1.1 dataset (PM2). Therefore, this variant is classified as likely pathogenic according to the recommendation of ACMG/AMP guideline.

NM_001852.4(COL9A2):c.1107+1G>T

Gene: COL9A2 (collagen type IX alpha 2 chain; minus strand). Cytogenetic location: 1p34.2.
Variant type: single nucleotide variant.
Coding change: c.1107+1G>T on transcript NM_001852.4 (MANE Select); the canonical splice donor site of the intron after coding-DNA position 1107, G replaced by T.
Molecular consequence: splice donor variant.
Genome position (GRCh38, 1-based): chr1:40,305,714, C>A on the plus strand (G>T on the coding strand, the complement: COL9A2 is on the minus strand). VCF-style: chr1-40305714-C-A. GRCh37 (hg19) VCF-style: chr1-40771386-C-A.
Identifiers: ClinVar variation 1320223 (VCV001320223.1), dbSNP rs2124062571, ClinGen allele CA339851011.